The following is an entry in ClinVar:

ClinVar aggregate classification (germline): Benign (1 of 4 stars; one submission).

Conditions:
Papillary renal cell carcinoma type 1 (RCCP1). Also called: Renal adenocarcinoma; Renal cell carcinoma 1; Renal cell carcinoma, somatic; RENAL CELL CARCINOMA, PAPILLARY, 1, SOMATIC. Identifiers: Orphanet 47044, MedGen C1336839, OMIM 605074, HP:0011797.

Submission:

Myriad Genetics, Inc.
Classification: Benign for Papillary renal cell carcinoma type 1. Last evaluated: 2024-11-11. Review status: criteria provided, single submitter. Criteria: Myriad Autosomal Dominant, Autosomal Recessive and X-Linked Classification Criteria (2023). Collection method: clinical testing. Allele origin: unknown.
Comment: This variant is considered benign. This variant is a silent/synonymous amino acid change and it is not expected to impact splicing.

NM_000245.4(MET):c.2289T>C (p.Val763=)

Gene: MET (MET proto-oncogene, receptor tyrosine kinase; plus strand). Cytogenetic location: 7q31.2.
Variant type: single nucleotide variant.
Coding change: c.2289T>C on transcript NM_000245.4 (MANE Select); coding-DNA position 2289, T replaced by C.
Protein change: p.Val763=; no amino-acid change (valine 763 retained).
Molecular consequence: synonymous variant.
Genome position (GRCh38, 1-based): chr7:116,759,415, T>C. VCF-style: chr7-116759415-T-C. GRCh37 (hg19) VCF-style: chr7-116399469-T-C.
Other names: c.2343T>C, p.Val781= (NM_001127500.3); c.2289T>C, p.Val763= (NM_001324401.3); c.999T>C, p.Val333= (NM_001324402.2).
Identifiers: ClinVar variation 3773387 (VCV003773387.1).
Genomic context (GRCh38, chr7:116,759,415, plus strand): 5'-TCTCAACATTGTCAGTTTTCTATTTTGCTTTGCCAGTGGTGGGAGCACAATAACAGGTGT[T>C]GGGAAAAACCTGAATTCAGTTAGTGTCCCGAGAATGGTCATAAATGTGCATGAAGCAGGA-3'
Protein context (NP_000236.2, residues 753-773): FISGGSTITG[Val763=]GKNLNSVSVP